The following is an entry in ClinVar:

NM_005751.5(AKAP9):c.10547G>A (p.Arg3516Lys)

Gene: AKAP9 (A-kinase anchoring protein 9; plus strand). Cytogenetic location: 7q21.2.
Variant type: single nucleotide variant.
Coding change: c.10547G>A on transcript NM_005751.5 (MANE Select); coding-DNA position 10547, G replaced by A.
Protein change: p.Arg3516Lys; replaces arginine 3516 with lysine.
Molecular consequence: missense variant.
Genome position (GRCh38, 1-based): chr7:92,097,734, G>A. VCF-style: chr7-92097734-G-A. GRCh37 (hg19) VCF-style: chr7-91727048-G-A.
Other names: c.10547G>A (NM_005751.4); c.5192G>A, p.Arg1731Lys (NM_001379277.1); c.10523G>A, p.Arg3508Lys (NM_147185.3); short protein forms R1731K, R3508K, R3516K.
Identifiers: ClinVar variation 1007870 (VCV001007870.12), dbSNP rs200288508, ClinGen allele CA4337965.

ClinVar aggregate classification (germline): Uncertain significance. Review status: criteria provided, multiple submitters, no conflicts (2 of 4 stars). 3 submissions from 3 submitters: Uncertain significance (3). Last evaluated 2025-08-17.

Conditions:
Long QT syndrome (LQTS). Identifiers: MedGen C0023976, MeSH D008133, MONDO:0002442. Disease mechanism: loss of function. Inheritance: Various modes of inheritance.
Cardiovascular phenotype. Identifiers: MedGen CN230736.
Long QT syndrome 11 (LQT11). Identifiers: Orphanet 101016, Orphanet 768, MedGen C2678483, MONDO:0012738, OMIM 611820.

Allele frequency attached by ClinVar (database versions not stated): gnomAD exomes 0.00001; ExAC 0.00002; gnomAD 0.00010; TOPMed 0.00031; 1000 Genomes Project 0.00040; 1000 Genomes Project 30x 0.00062.
gnomAD v4.1: 27 of 1,614,172 alleles (0.0017%); highest among the groups gnomAD compares: Admixed American, 0.033%; no homozygotes.

Submissions (3):

Labcorp Genetics (formerly Invitae), Labcorp
Classification: Uncertain significance for Long QT syndrome. Last evaluated: 2025-08-17. Review status: criteria provided, single submitter. Criteria: Invitae Variant Classification Sherloc (09022015). Collection method: clinical testing. Allele origin: germline.
Comment: This sequence change replaces arginine, which is basic and polar, with lysine, which is basic and polar, at codon 3516 of the AKAP9 protein (p.Arg3516Lys). This variant is present in population databases (rs200288508, gnomAD 0.006%). This variant has not been reported in the literature in individuals affected with AKAP9-related conditions. ClinVar contains an entry for this variant (Variation ID: 1007870). An algorithm developed to predict the effect of missense changes on protein structure and function outputs the following: PolyPhen-2: "Benign". The lysine amino acid residue is found in multiple mammalian species, which suggests that this missense change does not adversely affect protein function. In summary, the available evidence is currently insufficient to determine the role of this variant in disease. Therefore, it has been classified as a Variant of Uncertain Significance.

Ambry Genetics
Classification: Uncertain significance for Cardiovascular phenotype. Last evaluated: 2024-07-01. Review status: criteria provided, single submitter. Criteria: Ambry Variant Classification Scheme 2023. Collection method: clinical testing. Allele origin: germline.
Comment: The p.R3516K variant (also known as c.10547G>A), located in coding exon 42 of the AKAP9 gene, results from a G to A substitution at nucleotide position 10547. The arginine at codon 3516 is replaced by lysine, an amino acid with highly similar properties. This amino acid position is conserved. In addition, this alteration is predicted to be tolerated by in silico analysis. Based on the available evidence, the clinical significance of this variant remains unclear.

Fulgent Genetics
Classification: Uncertain significance for Long QT syndrome 11. Last evaluated: 2021-09-09. Review status: criteria provided, single submitter. Criteria: ACMG Guidelines, 2015. Collection method: clinical testing. Allele origin: unknown.